The following is an entry in ClinVar:

NM_006567.5(FARS2):c.706G>A (p.Val236Met)

Gene: FARS2 (phenylalanyl-tRNA synthetase 2, mitochondrial; plus strand). Cytogenetic location: 6p25.1.
Variant type: single nucleotide variant.
Coding change: c.706G>A on transcript NM_006567.5 (MANE Select); coding-DNA position 706, G replaced by A.
Protein change: p.Val236Met; replaces valine 236 with methionine.
Molecular consequence: missense variant.
Genome position (GRCh38, 1-based): chr6:5,404,635, G>A. VCF-style: chr6-5404635-G-A. GRCh37 (hg19) VCF-style: chr6-5404868-G-A.
Other names: c.706G>A, p.Val236Met (NM_001318872.2, NM_001374875.1, NM_001374876.1 and 5 more transcripts); c.10G>A, p.Val4Met (NM_001375259.1, NM_001375260.1); short protein forms V236M, V4M.
Identifiers: ClinVar variation 587657 (VCV000587657.9), dbSNP rs369015058, ClinGen allele CA3623717.

ClinVar aggregate classification (germline): Uncertain significance. Review status: criteria provided, multiple submitters, no conflicts (2 of 4 stars). 2 submissions from 2 submitters: Uncertain significance (2). Last evaluated 2026-01-30.

Conditions:
Combined oxidative phosphorylation defect type 14. Also called: Combined oxidative phosphorylation deficiency 14. Identifiers: Orphanet 319519, MedGen C4755312, MONDO:0013986, OMIM 614946.

Allele frequency attached by ClinVar (database versions not stated): TOPMed 0.00002; ExAC 0.00003; gnomAD 0.00003; gnomAD exomes 0.00003 and 0.00004; ESP Exome Variant Server 0.00008.
gnomAD v4.1: 67 of 1,612,562 alleles (0.0042%); highest among the groups gnomAD compares: Middle Eastern, 0.017%; no homozygotes.

Submissions (2):

Labcorp Genetics (formerly Invitae), Labcorp
Classification: Uncertain significance for Combined oxidative phosphorylation defect type 14. Last evaluated: 2026-01-30. Review status: criteria provided, single submitter. Criteria: Invitae Variant Classification Sherloc (09022015). Collection method: clinical testing. Allele origin: germline.
Comment: This sequence change replaces valine, which is neutral and non-polar, with methionine, which is neutral and non-polar, at codon 236 of the FARS2 protein (p.Val236Met). This variant is present in population databases (rs369015058, gnomAD 0.006%). This variant has not been reported in the literature in individuals affected with FARS2-related conditions. ClinVar contains an entry for this variant (Variation ID: 587657). Invitae Evidence Modeling of protein sequence and biophysical properties (such as structural, functional, and spatial information, amino acid conservation, physicochemical variation, residue mobility, and thermodynamic stability) indicates that this missense variant is not expected to disrupt FARS2 protein function with a negative predictive value of 80%. In summary, the available evidence is currently insufficient to determine the role of this variant in disease. Therefore, it has been classified as a Variant of Uncertain Significance.

Wong Mito Lab, Molecular and Human Genetics, Baylor College of Medicine
Classification: Uncertain significance for Combined oxidative phosphorylation deficiency 14. Last evaluated: 2018-06-13. Review status: criteria provided, single submitter. Criteria: ACMG Guidelines, 2015. Collection method: clinical testing. Allele origin: germline.